The following is an entry in ClinVar:

ClinVar aggregate classification (germline): Uncertain significance. Review status: criteria provided, multiple submitters, no conflicts (2 of 4 stars). 3 submissions from 3 submitters: Uncertain significance (3). Last evaluated 2026-02-01.

Conditions:
Inborn genetic diseases. Identifiers: MedGen C0950123, MeSH D030342.

gnomAD v4.1: 39 of 1,614,058 alleles (0.0024%); highest among the groups gnomAD compares: African/African-American, 0.004%; no homozygotes.

Submissions (3):

Labcorp Genetics (formerly Invitae), Labcorp
Classification: Uncertain significance. Last evaluated: 2026-02-01. Review status: criteria provided, single submitter. Criteria: Invitae Variant Classification Sherloc (09022015). Collection method: clinical testing. Allele origin: germline.
Comment: This sequence change replaces arginine, which is basic and polar, with glutamine, which is neutral and polar, at codon 189 of the PARS2 protein (p.Arg189Gln). This variant is present in population databases (rs199529531, gnomAD 0.004%). This variant has not been reported in the literature in individuals affected with PARS2-related conditions. ClinVar contains an entry for this variant (Variation ID: 3885791). An algorithm developed to predict the effect of missense changes on protein structure and function (PolyPhen-2) suggests that this variant is likely to be disruptive. In summary, the available evidence is currently insufficient to determine the role of this variant in disease. Therefore, it has been classified as a Variant of Uncertain Significance.

Ambry Genetics
Classification: Uncertain significance for Inborn genetic diseases. Last evaluated: 2025-01-01. Review status: criteria provided, single submitter. Criteria: Ambry Variant Classification Scheme 2023. Collection method: clinical testing. Allele origin: germline.

Blueprint Genetics
Classification: Uncertain significance. Last evaluated: 2024-10-24. Review status: criteria provided, single submitter. Criteria: ACMG Guidelines, 2015. Collection method: clinical testing. Allele origin: germline.

NM_152268.4(PARS2):c.566G>A (p.Arg189Gln)

Gene: PARS2 (prolyl-tRNA synthetase 2, mitochondrial; minus strand). Cytogenetic location: 1p32.3.
Variant type: single nucleotide variant.
Coding change: c.566G>A on transcript NM_152268.4 (MANE Select); coding-DNA position 566, G replaced by A.
Protein change: p.Arg189Gln; replaces arginine 189 with glutamine.
Molecular consequence: missense variant.
Genome position (GRCh38, 1-based): chr1:54,758,596, C>T on the plus strand (G>A on the coding strand, the complement: PARS2 is on the minus strand). VCF-style: chr1-54758596-C-T. GRCh37 (hg19) VCF-style: chr1-55224269-C-T.
Other names: short protein forms R189Q.
Identifiers: ClinVar variation 3885791 (VCV003885791.3).